The following is an entry in ClinVar:

NM_015072.5(TTLL5):c.2846C>G (p.Pro949Arg)

Gene: TTLL5 (tubulin tyrosine ligase like 5; plus strand). Cytogenetic location: 14q24.3.
Variant type: single nucleotide variant.
Coding change: c.2846C>G on transcript NM_015072.5 (MANE Select); coding-DNA position 2846, C replaced by G.
Protein change: p.Pro949Arg; replaces proline 949 with arginine.
Molecular consequence: missense variant.
Genome position (GRCh38, 1-based): chr14:75,783,390, C>G. VCF-style: chr14-75783390-C-G. GRCh37 (hg19) VCF-style: chr14-76249733-C-G.
Other names: short protein forms P949R.
Identifiers: ClinVar variation 1947109 (VCV001947109.5), dbSNP rs2503309797, ClinGen allele CA390472493.

ClinVar aggregate classification (germline): Uncertain significance (1 of 4 stars; one submission).

gnomAD v4.1: 1 of 1,614,196 alleles (0.000062%); highest among the groups gnomAD compares: Non-Finnish European, 0.000085%; no homozygotes.

Submission:

Labcorp Genetics (formerly Invitae), Labcorp
Classification: Uncertain significance. Last evaluated: 2023-08-10. Review status: criteria provided, single submitter. Criteria: Invitae Variant Classification Sherloc (09022015). Collection method: clinical testing. Allele origin: germline.
Comment: Advanced modeling of protein sequence and biophysical properties (such as structural, functional, and spatial information, amino acid conservation, physicochemical variation, residue mobility, and thermodynamic stability) performed at Invitae indicates that this missense variant is not expected to disrupt TTLL5 protein function. ClinVar contains an entry for this variant (Variation ID: 1947109). This variant has not been reported in the literature in individuals affected with TTLL5-related conditions. This variant is not present in population databases (gnomAD no frequency). This sequence change replaces proline, which is neutral and non-polar, with arginine, which is basic and polar, at codon 949 of the TTLL5 protein (p.Pro949Arg). In summary, the available evidence is currently insufficient to determine the role of this variant in disease. Therefore, it has been classified as a Variant of Uncertain Significance.